The following continues an entry in ClinVar:

NM_000059.4(BRCA2):c.68-7T>A

Gene: BRCA2. ClinVar aggregate classification (germline): Benign. Benign (1).

Submissions 19 to 36 of 42:

Women's Health and Genetics/Laboratory Corporation of America, LabCorp
Classification: Benign for Hereditary breast ovarian cancer syndrome. Last evaluated: 2016-08-23. Review status: criteria provided, single submitter. Criteria: LabCorp Variant Classification Summary - May 2015. Collection method: clinical testing. Allele origin: germline. Not counted in ClinVar's aggregate classification.
Comment: Variant summary: The BRCA2 c.68-7T>A variant involves the alteration of a non-conserved intronic nucleotide. 2/5 splice prediction tools predict a significant impact on normal splicing. Although functional studies evaluating the splicing effect of this variant show a production of a exon 3 deletion transcript wild type control DNA also showed the production of this exon 3 deletion transcript albeit at a lesser quantitative amount (Sanz_2010 and Muller_2010). Furthermore, an additional functional study evaluating the variant of interest's effect on key aspects of BRCA2 function such homologous recombination and sensitivity to DNA damaging agents showed comparable abilities to the wild-type BRCA2. This variant was found in 282/118368 control chromosomes at a frequency of 0.0023824, which is approximately 3.2 times the estimated maximal expected allele frequency of a pathogenic BRCA2 variant (0.0007503), suggesting this variant is likely a benign polymorphism. This variant has been reported in many HBOC patients/families. It has been shown not to cosegregate with disease in two families (Santos_2014). In addition, the variant has been reported to co-occur with multiple different deleterious variants in BRCA1/2 (UMD), strongly suggesting for a benign outcome. Most of the clinical diagnostic laboratories in ClinVar have classified this variant as benign/likely benign. Taken together, this variant is classified as benign.

Laboratory for Molecular Medicine, Mass General Brigham Personalized Medicine
Classification: Likely benign. Last evaluated: 2016-03-28. Review status: criteria provided, single submitter. Criteria: LMM Criteria. Collection method: clinical testing. Allele origin: germline. Not counted in ClinVar's aggregate classification.
Comment: Variant identified in a genome or exome case(s) and assessed due to predicted null impact of the variant or pathogenic assertions in the literature or databases. Disclaimer: This variant has not undergone full assessment. The following are preliminary notes: Multiple conflicting assertions about splice impact; ExAC: 0.5%(36/6594) Finnish chromosomes

Fulgent Genetics
Classification: Benign for Breast-ovarian cancer, familial, susceptibility to, 2. Last evaluated: 2015-12-30. Review status: criteria provided, single submitter. Criteria: ACMG Guidelines, 2015. Collection method: clinical testing. Allele origin: unknown. Not counted in ClinVar's aggregate classification.

Color Diagnostics, LLC DBA Color Health
Classification: Benign for Hereditary cancer-predisposing syndrome. Last evaluated: 2014-12-05. Review status: criteria provided, single submitter. Criteria: ACMG Guidelines, 2015. Collection method: clinical testing. Allele origin: germline. Not counted in ClinVar's aggregate classification.

Ambry Genetics
Classification: Benign for Hereditary cancer-predisposing syndrome. Last evaluated: 2014-11-28. Review status: criteria provided, single submitter. Criteria: Ambry Variant Classification Scheme 2023. Collection method: clinical testing. Allele origin: germline. Not counted in ClinVar's aggregate classification.

Molecular Genetics Laboratory, University of Michigan
Classification: Benign for Breast-ovarian cancer, familial, susceptibility to, 2. Last evaluated: 2014-11-03. Review status: criteria provided, single submitter. Criteria: ACMG Guidelines, 2015. Collection method: clinical testing. Allele origin: germline. Affected: yes. Not counted in ClinVar's aggregate classification.

Pathway Genomics
Classification: Likely benign for Breast-ovarian cancer, familial 2. Last evaluated: 2014-10-30. Review status: criteria provided, single submitter. Criteria: ACMG Guidelines, 2015. Collection method: clinical testing. Allele origin: germline. Not counted in ClinVar's aggregate classification.

Eurofins Ntd Llc (ga)
Classification: Likely benign. Last evaluated: 2014-10-23. Review status: criteria provided, single submitter. Criteria: EGL Classification Definitions 2015. Collection method: clinical testing. Allele origin: germline. Observed: 1 variant allele, 1 heterozygote. Not counted in ClinVar's aggregate classification.

GeneDx
Classification: Benign for Familial cancer of breast. Last evaluated: 2014-04-25. Review status: criteria provided, single submitter. Criteria: GeneDx Variant Classification (06012015). Collection method: clinical testing. Allele origin: germline. Affected: yes. Not counted in ClinVar's aggregate classification.
Comment: The variant is found in BRCA1-BRCA2,ENDOM-HEREDIC,BR-OV-HEREDIC panel(s).

BRCAlab, Lund University
Classification: Benign for Breast-ovarian cancer, familial, susceptibility to, 2. Last evaluated: 2020-03-02. Review status: no assertion criteria provided. Collection method: clinical testing. Allele origin: germline. Affected: yes. Not counted in ClinVar's aggregate classification.

PreventionGenetics, part of Exact Sciences
Classification: Benign for BRCA2-related condition. Last evaluated: 2019-09-26. Review status: no assertion criteria provided. Collection method: clinical testing. Allele origin: germline. Not counted in ClinVar's aggregate classification.
Comment: This variant is classified as benign based on ACMG/AMP sequence variant interpretation guidelines (Richards et al. 2015 PMID: 25741868, with internal and published modifications).

True Health Diagnostics
Classification: Likely benign for Hereditary cancer-predisposing syndrome. Last evaluated: 2017-06-27. Review status: no assertion criteria provided. Collection method: clinical testing. Allele origin: germline. Not counted in ClinVar's aggregate classification.

Mayo Clinic Laboratories, Mayo Clinic
Classification: Likely benign. Last evaluated: 2016-12-06. Review status: no assertion criteria provided. Collection method: clinical testing. Allele origin: unknown. Not counted in ClinVar's aggregate classification.

Department of Medical Genetics, University Hospital of North Norway
Classification: Likely benign for Breast-ovarian cancer, familial, susceptibility to, 2. Last evaluated: 2016-05-01. Review status: no assertion criteria provided. Collection method: clinical testing. Allele origin: germline. Affected: no. Observed: 1 variant allele. Not counted in ClinVar's aggregate classification.

Counsyl
Classification: Likely benign for Breast-ovarian cancer, familial 2. Last evaluated: 2014-06-13. Review status: no assertion criteria provided. Collection method: literature only. Allele origin: unknown. Inheritance: Autosomal dominant inheritance. Not counted in ClinVar's aggregate classification.

Research Molecular Genetics Laboratory, Women's College Hospital, University of Toronto
Classification: Uncertain significance. Last evaluated: 2014-01-31. Review status: no assertion criteria provided. Collection method: research. Allele origin: germline. Affected: yes. Study: The Canadian Open Genetics Repository (COGR). Not counted in ClinVar's aggregate classification.

Sharing Clinical Reports Project (SCRP)
Classification: Benign for Breast-ovarian cancer, familial 2. Last evaluated: 2012-04-05. Review status: no assertion criteria provided. Collection method: clinical testing. Allele origin: germline. Not counted in ClinVar's aggregate classification.

Breast Cancer Information Core (BIC) (BRCA2)
Classification: Uncertain significance for Breast-ovarian cancer, familial 2. Last evaluated: 2010-12-17. Review status: no assertion criteria provided. Collection method: clinical testing. Allele origin: germline. Affected: yes. Observed: 7 variant alleles. Not counted in ClinVar's aggregate classification.